The following is an entry in ClinVar:

NM_001197104.2(KMT2A):c.1810A>G (p.Met604Val)

Gene: KMT2A (lysine methyltransferase 2A; plus strand). Cytogenetic location: 11q23.3.
Variant type: single nucleotide variant.
Coding change: c.1810A>G on transcript NM_001197104.2 (MANE Select); coding-DNA position 1810, A replaced by G.
Protein change: p.Met604Val; replaces methionine 604 with valine.
Molecular consequence: missense variant.
Genome position (GRCh38, 1-based): chr11:118,472,969, A>G. VCF-style: chr11-118472969-A-G. GRCh37 (hg19) VCF-style: chr11-118343684-A-G.
Other names: c.1810A>G, p.Met604Val (NM_005933.4); short protein forms M604V.
Identifiers: ClinVar variation 211314 (VCV000211314.49), dbSNP rs150328852, ClinGen allele CA207918.
Genomic context (GRCh38, chr11:118,472,969, plus strand): 5'-TGGCTTATGCCTCCAACAATCCCCTTAGCATCACCATTTTTGCCTGCTTCCACTGCTCCT[A>G]TGCAAGGGAAGCGAAAATCTATTTTGCGAGAACCGACATTTAGGTGGACTTCTTTAAAGC-3'
Protein context (NP_001184033.1, residues 594-614): SPFLPASTAP[Met604Val]QGKRKSILRE

ClinVar aggregate classification (germline): Conflicting classifications of pathogenicity. Review status: criteria provided, conflicting classifications (1 of 4 stars). 7 submissions from 7 submitters: Uncertain significance (1); Benign (1); Likely benign (4). 1 of the submissions does not count toward it. Last evaluated 2026-05-01.

Conditions:
KMT2A-related disorder. Also called: KMT2A-related condition.

Allele frequency attached by ClinVar (database versions not stated): gnomAD exomes 0.00032 and 0.00081; ExAC 0.00035; gnomAD 0.00046 and 0.00050; TOPMed 0.00046; ESP Exome Variant Server 0.00085.
gnomAD v4.1: 1,288 of 1,613,930 alleles (0.08%); highest among the groups gnomAD compares: Non-Finnish European, 0.1%; 2 homozygotes.

Submissions (7):

CeGaT Center for Human Genetics Tuebingen
Classification: Likely benign. Last evaluated: 2026-05-01. Review status: criteria provided, single submitter. Criteria: CeGaT Center For Human Genetics Tuebingen Variant Classification Criteria Version 2. Collection method: clinical testing. Allele origin: germline. Affected: yes. Observed: 2 variant alleles.
Comment: KMT2A: BP4, BS1

Labcorp Genetics (formerly Invitae), Labcorp
Classification: Likely benign. Last evaluated: 2026-02-03. Review status: criteria provided, single submitter. Criteria: Invitae Variant Classification Sherloc (09022015). Collection method: clinical testing. Allele origin: germline.

Blueprint Genetics
Classification: Likely benign. Last evaluated: 2024-07-19. Review status: criteria provided, single submitter. Criteria: ACMG Guidelines, 2015. Collection method: clinical testing. Allele origin: germline.

GeneDx
Classification: Benign. Last evaluated: 2021-01-19. Review status: criteria provided, single submitter. Criteria: GeneDx Variant Classification Process June 2021. Collection method: clinical testing. Allele origin: germline. Affected: yes.

Genomic Diagnostic Laboratory, Division of Genomic Diagnostics, Children's Hospital of Philadelphia
Classification: Uncertain significance. Last evaluated: 2015-08-19. Review status: criteria provided, single submitter. Criteria: DGD Variant Analysis Guidelines. Collection method: clinical testing. Allele origin: unknown.

Genetic Services Laboratory, University of Chicago
Classification: Likely benign. Last evaluated: 2015-03-31. Review status: criteria provided, single submitter. Criteria: ACMG Guidelines, 2015. Collection method: clinical testing. Allele origin: germline.

PreventionGenetics, part of Exact Sciences
Classification: Likely benign for KMT2A-related condition. Last evaluated: 2022-10-03. Review status: no assertion criteria provided. Collection method: clinical testing. Allele origin: germline. Not counted in ClinVar's aggregate classification.
Comment: This variant is classified as likely benign based on ACMG/AMP sequence variant interpretation guidelines (Richards et al. 2015 PMID: 25741868, with internal and published modifications).